The following is an entry in ClinVar:

ClinVar aggregate classification (germline): Uncertain significance (1 of 4 stars; one submission).

Submission:

GeneDx
Classification: Uncertain significance. Last evaluated: 2026-01-26. Review status: criteria provided, single submitter. Criteria: GeneDx Variant Classification Process June 2021. Collection method: clinical testing. Allele origin: germline.
Comment: Not observed at significant frequency in large population cohorts (gnomAD); In silico analysis suggests that this missense variant does not alter protein structure/function; Has not been previously published as pathogenic or benign to our knowledge

NM_000368.5(TSC1):c.800C>T (p.Thr267Ile)

Gene: TSC1 (TSC complex subunit 1; minus strand). Cytogenetic location: 9q34.13.
Variant type: single nucleotide variant.
Coding change: c.800C>T on transcript NM_000368.5 (MANE Select); coding-DNA position 800, C replaced by T.
Protein change: p.Thr267Ile; replaces threonine 267 with isoleucine.
Molecular consequence: missense variant. On other transcripts: 5 prime UTR variant (5), non-coding transcript variant (5).
Genome position (GRCh38, 1-based): chr9:132,912,395, G>A on the plus strand (C>T on the coding strand, the complement: TSC1 is on the minus strand). VCF-style: chr9-132912395-G-A. GRCh37 (hg19) VCF-style: chr9-135787782-G-A.
Other names: c.800C>T, p.Thr267Ile (NM_001162426.2, NM_001406592.1, NM_001406593.1 and 16 more transcripts); c.647C>T, p.Thr216Ile (NM_001162427.2, NM_001406610.1, NM_001406611.1 and 2 more transcripts); c.437C>T, p.Thr146Ile (NM_001362177.2, NM_001406617.1, NM_001406618.1 and 10 more transcripts); c.-152C>T (NM_001406626.1, NM_001406627.1, NM_001406628.1); c.-294C>T (NM_001406629.1, NM_001406630.1); short protein forms T146I, T216I, T267I.
Identifiers: ClinVar variation 4887883 (VCV004887883.1).